The following is an entry in ClinVar:

NM_022168.4(IFIH1):c.623-3C>T

Gene: IFIH1 (interferon induced with helicase C domain 1; minus strand). Cytogenetic location: 2q24.2.
Variant type: single nucleotide variant.
Coding change: c.623-3C>T on transcript NM_022168.4 (MANE Select); 3 bases into the intron before coding-DNA position 623, C replaced by T.
Molecular consequence: intron variant.
Genome position (GRCh38, 1-based): chr2:162,306,858, G>A on the plus strand (C>T on the coding strand, the complement: IFIH1 is on the minus strand). VCF-style: chr2-162306858-G-A. GRCh37 (hg19) VCF-style: chr2-163163368-G-A.
Identifiers: ClinVar variation 3763959 (VCV003763959.2).

ClinVar aggregate classification (germline): Uncertain significance (1 of 4 stars; one submission).

Conditions:
Aicardi-Goutieres syndrome 7 (AGS7). Identifiers: Orphanet 51, MedGen C3888244, MONDO:0014367, OMIM 615846.
Singleton-Merten syndrome 1 (SGMRT1). Also called: Widened medullary cavities of bone, aortic calcification, abnormal dentition, and muscular weakness; Syndrome of widened medullary cavities of the metacarpals and phalanges, aortic calcification and abnormal dentition. Identifiers: Orphanet 85191, MedGen C4225427, MONDO:0024535, OMIM 182250.

Submission:

Labcorp Genetics (formerly Invitae), Labcorp
Classification: Uncertain significance for Aicardi-Goutieres syndrome 7; Singleton-Merten syndrome 1. Last evaluated: 2024-12-24. Review status: criteria provided, single submitter. Criteria: Invitae Variant Classification Sherloc (09022015). Collection method: clinical testing. Allele origin: germline.
Comment: This sequence change falls in intron 2 of the IFIH1 gene. It does not directly change the encoded amino acid sequence of the IFIH1 protein. It affects a nucleotide within the consensus splice site. This variant is not present in population databases (gnomAD no frequency). This variant has not been reported in the literature in individuals affected with IFIH1-related conditions. Variants that disrupt the consensus splice site are a relatively common cause of aberrant splicing (PMID: 17576681, 9536098). Algorithms developed to predict the effect of sequence changes on RNA splicing suggest that this variant may disrupt the consensus splice site. In summary, the available evidence is currently insufficient to determine the role of this variant in disease. Therefore, it has been classified as a Variant of Uncertain Significance.

Literature cited by the submitters: PubMed 17576681; PubMed 9536098.